The following is an entry in ClinVar:

NM_001367943.1(TCF7L2):c.372del (p.Ala125fs)

Gene: TCF7L2 (transcription factor 7 like 2; plus strand). Cytogenetic location: 10q25.2.
Variant type: Deletion.
Coding change: c.372del on transcript NM_001367943.1 (MANE Select); coding-DNA position 372, one base deleted (C; older notation c.372delC).
Protein change: p.Ala125fs; shifts the reading frame from alanine 125.
Molecular consequence: frameshift variant.
Genome position (GRCh38, 1-based): chr10:112,951,598, C deleted; the last of 2 consecutive C bases (chr10:112,951,597-112,951,598); deleting either gives the same sequence. VCF-style (leftmost placement, unchanged base first): chr10-112951596-AC-A. GRCh37 (hg19) VCF-style: chr10-114711355-AC-A.
Other names: c.372del, p.Ala125fs (NM_001146274.2, NM_001146283.2, NM_001146284.2 and 11 more transcripts); short protein forms A125fs.
Identifiers: ClinVar variation 3343008 (VCV003343008.1).

ClinVar aggregate classification (germline): Uncertain significance (1 of 4 stars; one submission).

Submission:

GeneDx
Classification: Uncertain significance. Last evaluated: 2023-04-04. Review status: criteria provided, single submitter. Criteria: GeneDx Variant Classification Process June 2021. Collection method: clinical testing. Allele origin: germline. Affected: yes.
Comment: Not observed at significant frequency in large population cohorts (gnomAD); Frameshift variant predicted to result in protein truncation or nonsense mediated decay in a gene or region of a gene for which loss of function is not a well-established mechanism of disease; Has not been previously published as pathogenic or benign to our knowledge; Variants in candidate genes are classified as variants of uncertain significance in accordance with ACMG guidelines (Richards et al., 2015)